The following is an entry in ClinVar:

NM_000321.3(RB1):c.1239_1240del (p.Ser414fs)

Gene: RB1 (RB transcriptional corepressor 1; plus strand). Cytogenetic location: 13q14.2.
Variant type: Deletion.
Coding change: c.1239_1240del on transcript NM_000321.3 (MANE Select); coding-DNA positions 1239 to 1240, 2 bases deleted (AA; older notation c.1239_1240delAA).
Protein change: p.Ser414fs; shifts the reading frame from serine 414.
Molecular consequence: frameshift variant.
Genome position (GRCh38, 1-based): chr13:48,376,941-48,376,942, AA deleted; deleting any 2 consecutive bases within chr13:48,376,940-48,376,942 gives the same sequence; the c. name uses the placement nearest the transcript's 3' end. VCF-style (leftmost placement, unchanged base first): chr13-48376939-GAA-G. GRCh37 (hg19) VCF-style: chr13-48951075-GAA-G.
Other names: c.1239_1240delAA (NM_000321.2); short protein forms S414fs.
Identifiers: ClinVar variation 527910 (VCV000527910.6), dbSNP rs1555286220, ClinGen allele CA658798142.

ClinVar aggregate classification (germline): Pathogenic (1 of 4 stars; one submission).

Conditions:
Retinoblastoma (RB1). Also called: RETINOBLASTOMA, SOMATIC. Identifiers: Orphanet 790, MedGen C0035335, MeSH D012175, MONDO:0008380, OMIM 180200, HP:0009919. Disease mechanism: loss of function. Inheritance: Both sporadic and heritable forms are tested..

Submission:

Labcorp Genetics (formerly Invitae), Labcorp
Classification: Pathogenic for Retinoblastoma. Last evaluated: 2017-12-06. Review status: criteria provided, single submitter. Criteria: Invitae Variant Classification Sherloc (09022015). Collection method: clinical testing. Allele origin: germline.
Comment: For these reasons, this variant has been classified as Pathogenic. Loss-of-function variants in RB1 are known to be pathogenic (PMID: 17096365). This variant has not been reported in the literature in individuals with RB1-related disease. This variant is not present in population databases (ExAC no frequency). This sequence change creates a premature translational stop signal (p.Ser414Tyrfs*13) in the RB1 gene. It is expected to result in an absent or disrupted protein product.

Literature cited by the submitters: PubMed 17096365.